The following is an entry in ClinVar:

ClinVar aggregate classification (germline): Uncertain significance (1 of 4 stars; one submission).

gnomAD v4.1: 1 of 1,610,792 alleles (0.000062%); highest among the groups gnomAD compares: Non-Finnish European, 0.000085%; no homozygotes.

Submission:

GeneDx
Classification: Uncertain significance. Last evaluated: 2024-10-07. Review status: criteria provided, single submitter. Criteria: GeneDx Variant Classification Process June 2021. Collection method: clinical testing. Allele origin: germline. Affected: yes.
Comment: Not observed at significant frequency in large population cohorts (gnomAD); Has not been previously published as pathogenic or benign to our knowledge; Located in a regulatory region; in the absence of functional studies, the actual effect of this sequence change is unknown

NM_004064.5(CDKN1B):c.-26G>C

Gene: CDKN1B (cyclin dependent kinase inhibitor 1B; plus strand). Cytogenetic location: 12p13.1.
Variant type: single nucleotide variant.
Coding change: c.-26G>C on transcript NM_004064.5 (MANE Select); 26 bases upstream of the start codon, G replaced by C.
Molecular consequence: 5 prime UTR variant.
Genome position (GRCh38, 1-based): chr12:12,717,814, G>C. VCF-style: chr12-12717814-G-C. GRCh37 (hg19) VCF-style: chr12-12870748-G-C.
Identifiers: ClinVar variation 3776735 (VCV003776735.1).